The following is an entry in ClinVar:

NC_000005.10:g.(?_128350858)_(128351015_?)del

Gene: FBN2 (fibrillin 2; minus strand). Cytogenetic location: 5q23.3.
Variant type: Deletion.
Identifiers: ClinVar variation 831888 (VCV000831888.6).

ClinVar aggregate classification (germline): Uncertain significance (1 of 4 stars; one submission).

Conditions:
Congenital contractural arachnodactyly (CCA). Also called: BEALS SYNDROME; Arthrogryposis, distal, type 9; Beals-Hecht syndrome. Identifiers: Orphanet 115, MedGen C0220668, MONDO:0007363, OMIM 121050.

Submission:

Labcorp Genetics (formerly Invitae), Labcorp
Classification: Uncertain significance for Congenital contractural arachnodactyly. Last evaluated: 2019-05-07. Review status: criteria provided, single submitter. Criteria: Invitae Variant Classification Sherloc (09022015). Collection method: clinical testing. Allele origin: germline.
Comment: This variant is an in-frame deletion of the genomic region encompassing exons 21 of the FBN2 gene. It preserves the integrity of the reading frame. This variant has not been reported in the literature in individuals with FBN2-related conditions. In summary, the available evidence is currently insufficient to determine the role of this variant in disease. Therefore, it has been classified as a Variant of Uncertain Significance. Experimental studies and prediction algorithms are not available for this variant, and the functional significance of the affected amino acid(s) is currently unknown.